The following is an entry in ClinVar:

ClinVar aggregate classification (germline): Benign. Review status: criteria provided, multiple submitters, no conflicts (2 of 4 stars). 2 submissions from 2 submitters: Benign (2). Last evaluated 2018-01-12.

Conditions:
Leigh syndrome (NULS). Also called: Leigh Disease; Subacute necrotizing encephalopathy; Necrotizing encephalopathy infantile subacute of Leigh; Leigh's necrotizing encephalopathy; Leigh's disease; Leigh's syndrome. Identifiers: Orphanet 506, MedGen C2931891, MONDO:0009723, OMIM 256000.

Allele frequency attached by ClinVar (database versions not stated): gnomAD exomes 0.37240; gnomAD 0.46161 and 0.46449; TOPMed 0.46950; 1000 Genomes Project 30x 0.47361; 1000 Genomes Project 0.47784.
gnomAD v4.1: 70,945 of 154,044 alleles (46%); highest among the groups gnomAD compares: East Asian, 54%; 16,598 homozygotes.

Submissions (2):

Illumina Laboratory Services, Illumina
Classification: Benign for Leigh syndrome. Last evaluated: 2018-01-12. Review status: criteria provided, single submitter. Criteria: ICSL Variant Classification Criteria 13 December 2019. Collection method: clinical testing. Allele origin: germline.
Comment: This variant was observed in the ICSL laboratory as part of a predisposition screen in an ostensibly healthy population. It had not been previously curated by ICSL or reported in the Human Gene Mutation Database (HGMD: prior to June 1st, 2018), and was therefore a candidate for classification through an automated scoring system. Utilizing variant allele frequency, disease prevalence and penetrance estimates, and inheritance mode, an automated score was calculated to assess if this variant is too frequent to cause the disease. Based on the score and internal cut-off values, a variant classified as benign is not then subjected to further curation. The score for this variant resulted in a classification of benign for this disease.

Breakthrough Genomics
Classification: Benign. Review status: criteria provided, single submitter. Criteria: ACMG Guidelines, 2015. Collection method: not provided. Allele origin: germline. Inheritance: Autosomal recessive inheritance. Affected: yes.

NM_004589.4(SCO1):c.*722C>G

Gene: SCO1 (synthesis of cytochrome C oxidase 1; minus strand). Cytogenetic location: 17p13.1.
Variant type: single nucleotide variant.
Coding change: c.*722C>G on transcript NM_004589.4 (MANE Select); 722 bases downstream of the stop codon, C replaced by G.
Molecular consequence: 3 prime UTR variant.
Genome position (GRCh38, 1-based): chr17:10,680,397, G>C on the plus strand (C>G on the coding strand, the complement: SCO1 is on the minus strand). VCF-style: chr17-10680397-G-C. GRCh37 (hg19) VCF-style: chr17-10583714-G-C.
Identifiers: ClinVar variation 321780 (VCV000321780.7), dbSNP rs7512, ClinGen allele CA10649478.
Genomic context (GRCh38, chr17:10,680,397, plus strand): 5'-TGAACAGCAAAACTGAGTATGTTTACTTTACACAAAGTACAATCCAGTATATGCAGAAAG[G>C]TACTCAGCATCACACTCGTGATCAATATCCTCTTATTTCCATTTGGTATGTCACTGAAAA-3'